The following is an entry in ClinVar:

ClinVar aggregate classification (germline): Uncertain significance. Review status: criteria provided, multiple submitters, no conflicts (2 of 4 stars). 2 submissions from 2 submitters: Uncertain significance (2). Last evaluated 2025-04-30.

Allele frequency attached by ClinVar (database versions not stated): gnomAD 0.00002; TOPMed 0.00003.
gnomAD v4.1: 89 of 1,534,946 alleles (0.0058%); highest among the groups gnomAD compares: Non-Finnish European, 0.0062%; no homozygotes.

Submissions (2):

Ambry Genetics
Classification: Uncertain significance. Last evaluated: 2025-04-30. Review status: criteria provided, single submitter. Criteria: Ambry Variant Classification Scheme 2023. Collection method: clinical testing. Allele origin: germline.

Labcorp Genetics (formerly Invitae), Labcorp
Classification: Uncertain significance. Last evaluated: 2022-06-05. Review status: criteria provided, single submitter. Criteria: Invitae Variant Classification Sherloc (09022015). Collection method: clinical testing. Allele origin: germline.
Comment: This variant is present in population databases (rs140018550, gnomAD 0.03%). This sequence change replaces serine, which is neutral and polar, with cysteine, which is neutral and slightly polar, at codon 856 of the PLEKHG2 protein (p.Ser856Cys). This variant has not been reported in the literature in individuals affected with PLEKHG2-related conditions. In summary, the available evidence is currently insufficient to determine the role of this variant in disease. Therefore, it has been classified as a Variant of Uncertain Significance. Algorithms developed to predict the effect of missense changes on protein structure and function output the following: SIFT: "Tolerated"; PolyPhen-2: "Benign"; Align-GVGD: "Class C0". The cysteine amino acid residue is found in multiple mammalian species, which suggests that this missense change does not adversely affect protein function. ClinVar contains an entry for this variant (Variation ID: 1494583).

NM_022835.3(PLEKHG2):c.2567C>G (p.Ser856Cys)

Gene: PLEKHG2 (pleckstrin homology and RhoGEF domain containing G2; plus strand). Cytogenetic location: 19q13.2.
Variant type: single nucleotide variant.
Coding change: c.2567C>G on transcript NM_022835.3 (MANE Select); coding-DNA position 2567, C replaced by G.
Protein change: p.Ser856Cys; replaces serine 856 with cysteine.
Molecular consequence: missense variant. On other transcripts: intron variant (1).
Genome position (GRCh38, 1-based): chr19:39,423,621, C>G. VCF-style: chr19-39423621-C-G. GRCh37 (hg19) VCF-style: chr19-39914261-C-G.
Other names: c.2390C>G, p.Ser797Cys (NM_001351693.2); c.1677+1333C>G (NM_001351694.2); c.2567C>G (NM_022835.2); short protein forms S797C, S856C.
Identifiers: ClinVar variation 1494583 (VCV001494583.6), dbSNP rs140018550, ClinGen allele CA9429807.
Genomic context (GRCh38, chr19:39,423,621, plus strand): 5'-CTCGGGCATCAGCCAATGCCCCGCGCCGCCGGCCTCGGGTTCTGGCCCAACCCCAGCCAT[C>G]CCCCTGTCTGCCCCAGGAGCAGGCAGAGCCAGGTGAGGTCCGGGTACGTGGTTGGCAGAG-3'
Protein context (NP_073746.2, residues 846-866): RPRVLAQPQP[Ser856Cys]PCLPQEQAEP